The following is an entry in ClinVar:

ClinVar aggregate classification (germline): Benign (1 of 4 stars; one submission).

Submission:

GeneDx
Classification: Benign. Last evaluated: 2018-06-19. Review status: criteria provided, single submitter. Criteria: GeneDx Variant Classification (06012015). Collection method: clinical testing. Allele origin: germline. Affected: yes.
Comment: This variant is considered likely benign or benign based on one or more of the following criteria: it is a conservative change, it occurs at a poorly conserved position in the protein, it is predicted to be benign by multiple in silico algorithms, and/or has population frequency not consistent with disease.

NM_003982.4(SLC7A7):c.770+211dup

Gene: SLC7A7 (solute carrier family 7 member 7; minus strand). Cytogenetic location: 14q11.2.
Variant type: Duplication.
Coding change: c.770+211dup on transcript NM_003982.4 (MANE Select); 211 bases into the intron after coding-DNA position 770, one base duplicated (T; older notation c.770+211dupT).
Molecular consequence: intron variant.
Genome position (GRCh38, 1-based): chr14:22,778,578, A duplicated on the plus strand (T on the coding strand, the reverse complement: SLC7A7 is on the minus strand); the first of 5 consecutive A bases (chr14:22,778,578-22,778,582); duplicating any one gives the same sequence. VCF-style (leftmost placement, unchanged base first): chr14-22778577-T-TA. GRCh37 (hg19) VCF-style: chr14-23247786-T-TA.
Other names: c.770+211dup (NM_001126106.4, NM_001126105.3).
Identifiers: ClinVar variation 667493 (VCV000667493.1), dbSNP rs11430909, ClinGen allele CA257727965.
Genomic context (GRCh38, chr14:22,778,577, plus strand): 5'-CATATAATACAACCTGCTTTAATTAATGCAGAAATTAATGAACAAATGTAAAAATGCCTT[T>TA]AAAAATTTACAAAGCATACATGAGTAAGTTCATATTTTAGCCCTGTTACTGTGATCATAG-3'